The following is an entry in ClinVar:

ClinVar aggregate classification (germline): Uncertain significance. Review status: criteria provided, multiple submitters, no conflicts (2 of 4 stars). 2 submissions from 2 submitters: Uncertain significance (2). Last evaluated 2025-09-29.

Conditions:
Developmental and epileptic encephalopathy 104 (DEE104). Identifiers: MedGen C5774183, MONDO:0031021, OMIM 619970.

gnomAD v4.1: 1 of 1,613,786 alleles (0.000062%); highest among the groups gnomAD compares: African/African-American, 0.0013%; no homozygotes.

Submissions (2):

Department of Molecular Genetics, Istishari Arab Hospital
Classification: Uncertain significance for Developmental and epileptic encephalopathy 104. Last evaluated: 2025-09-29. Review status: criteria provided, single submitter. Criteria: ACMG Guidelines, 2015. Collection method: clinical testing. Allele origin: germline. Inheritance: Autosomal dominant inheritance. Affected: yes.
Comment: The ATP6V0A1 variant c.1279G>C, p.Glu427Gln causes an amino acid change from Glu to Gln at position 427. To the best of our knowledge, this variant has not been previously reported in the literature. The variant is observed at an extremely low frequency in the gnomAD v4.1.0 dataset (total allele frequency: <0.001%). It is classified as variant of uncertain significance based on ACMG/AMP/ClinGen SVI guidelines.

3billion
Classification: Uncertain significance for Developmental and epileptic encephalopathy 104. Last evaluated: 2025-09-21. Review status: criteria provided, single submitter. Criteria: ACMG Guidelines, 2015. Collection method: clinical testing. Allele origin: germline. Affected: yes.
Comment: The variant is observed at an extremely low frequency in the gnomAD v4.1.0 dataset (total allele frequency: <0.001%). Predicted Consequence/Location: Missense variant In silico tool predictions suggest damaging effect of the variant on gene or gene product [REVEL: 0.86 (>=0.6, sensitivity 0.68 and specificity 0.92)]. Therefore, this variant is classified as VUS according to the recommendation of ACMG/AMP guideline.

NM_001130021.3(ATP6V0A1):c.1279G>C (p.Glu427Gln)

Gene: ATP6V0A1 (ATPase H+ transporting V0 subunit a1; plus strand). Cytogenetic location: 17q21.2.
Variant type: single nucleotide variant.
Coding change: c.1279G>C on transcript NM_001130021.3 (MANE Select); coding-DNA position 1279, G replaced by C.
Protein change: p.Glu427Gln; replaces glutamic acid 427 with glutamine.
Molecular consequence: missense variant.
Genome position (GRCh38, 1-based): chr17:42,494,438, G>C. VCF-style: chr17-42494438-G-C. GRCh37 (hg19) VCF-style: chr17-40646456-G-C.
Other names: p.Glu427Gln; c.1300G>C, p.Glu434Gln (NM_001130020.3, NM_001378522.1, NM_001378523.1 and 3 more transcripts); c.1402G>C, p.Glu468Gln (NM_001378530.1, NM_001378533.1, NM_001378551.1 and 1 more transcripts); c.1423G>C, p.Glu475Gln (NM_001378531.1, NM_001378532.1); c.1279G>C, p.Glu427Gln (NM_001378535.1, NM_001378537.1, NM_001378542.1 and 4 more transcripts); c.1171G>C, p.Glu391Gln (NM_001378536.1, NM_001378550.1, NM_001378556.1); c.1150G>C, p.Glu384Gln (NM_001378538.1, NM_001378540.1); c.1120G>C, p.Glu374Gln (NM_001378543.1); and 3 more; short protein forms E356Q, E357Q, E367Q, E374Q, E384Q, E391Q, E427Q, E434Q.
Identifiers: ClinVar variation 4277230 (VCV004277230.2).
Genomic context (GRCh38, chr17:42,494,438, plus strand): 5'-TTTGGAGACTTCGGTCATGGCATTTTAATGACCCTTTTTGCTGTGTGGATGGTACTGAGG[G>C]AGAGCCGGATCCTTTCCCAGAAGAATGAGAATGAGGTAATGTTTAAGTTACATCTGCATT-3'
Protein context (NP_001123493.1, residues 417-437): TLFAVWMVLR[Glu427Gln]SRILSQKNEN